The following is an entry in ClinVar:

ClinVar aggregate classification (germline): Uncertain significance. Review status: criteria provided, multiple submitters, no conflicts (2 of 4 stars). 2 submissions from 2 submitters: Uncertain significance (2). Last evaluated 2025-07-01.

Conditions:
Congenital dyserythropoietic anemia, type I. Also called: Dyserythropoietic anemia, congenital type 1. Identifiers: Orphanet 98869, MedGen C0271933, MONDO:0020337. Disease mechanism: loss of function.

Allele frequency attached by ClinVar (database versions not stated): gnomAD 0.00001; TOPMed 0.00001.

Submissions (2):

Women's Health and Genetics/Laboratory Corporation of America, LabCorp
Classification: Uncertain significance. Last evaluated: 2025-07-01. Review status: criteria provided, single submitter. Criteria: LabCorp Variant Classification Summary - May 2015. Collection method: clinical testing. Allele origin: germline.
Comment: Variant summary: CDAN1 c.3268G>C (p.Val1090Leu) results in a conservative amino acid change in the encoded protein sequence. Algorithms developed to predict the effect of missense changes on protein structure and function are either unavailable or do not agree on the potential impact of this missense change. Several computational tools predict a significant impact on normal splicing: Three predict the variant abolishes a 5' splicing donor site. One predict the variant weakens a 5' donor site. However, these predictions have yet to be confirmed by functional studies. The variant allele was found at a frequency of 4e-06 in 251478 control chromosomes. The available data on variant occurrences in the general population are insufficient to allow any conclusion about variant significance. To our knowledge, no occurrence of c.3268G>C in individuals affected with Congenital dyserythropoietic anemia, type I and no experimental evidence demonstrating its impact on protein function have been reported. ClinVar contains an entry for this variant (Variation ID: 885084). Based on the evidence outlined above, the variant was classified as uncertain significance.

Illumina Laboratory Services, Illumina
Classification: Uncertain significance for Anemia, congenital dyserythropoietic, type 1a. Last evaluated: 2018-01-13. Review status: criteria provided, single submitter. Criteria: ICSL Variant Classification Criteria 13 December 2019. Collection method: clinical testing. Allele origin: germline.

NM_138477.4(CDAN1):c.3268G>C (p.Val1090Leu)

Gene: CDAN1 (codanin 1; minus strand). Cytogenetic location: 15q15.2.
Variant type: single nucleotide variant.
Coding change: c.3268G>C on transcript NM_138477.4 (MANE Select); coding-DNA position 3268, G replaced by C.
Protein change: p.Val1090Leu; replaces valine 1090 with leucine.
Molecular consequence: missense variant.
Genome position (GRCh38, 1-based): chr15:42,726,097, C>G on the plus strand (G>C on the coding strand, the complement: CDAN1 is on the minus strand). VCF-style: chr15-42726097-C-G. GRCh37 (hg19) VCF-style: chr15-43018295-C-G.
Other names: short protein forms V1090L.
Identifiers: ClinVar variation 885084 (VCV000885084.6), dbSNP rs559053820, ClinGen allele CA392028348.